The following is an entry in ClinVar:

NM_031418.4(ANO3):c.1747A>G (p.Lys583Glu)

Gene: ANO3 (anoctamin 3; plus strand). Cytogenetic location: 11p14.2.
Variant type: single nucleotide variant.
Coding change: c.1747A>G on transcript NM_031418.4 (MANE Select); coding-DNA position 1747, A replaced by G.
Protein change: p.Lys583Glu; replaces lysine 583 with glutamic acid.
Molecular consequence: missense variant.
Genome position (GRCh38, 1-based): chr11:26,599,625, A>G. VCF-style: chr11-26599625-A-G. GRCh37 (hg19) VCF-style: chr11-26621172-A-G.
Other names: c.1930A>G, p.Lys644Glu (NM_001313726.2); c.1309A>G, p.Lys437Glu (NM_001313727.2); short protein forms K644E, K437E, K583E.
Identifiers: ClinVar variation 4738856 (VCV004738856.1).

ClinVar aggregate classification (germline): Uncertain significance (1 of 4 stars; one submission).

Conditions:
Dystonic disorder. Also called: Dystonia. Identifiers: MedGen C0013421, MONDO:0003441, HP:0001332.

Submission:

Labcorp Genetics (formerly Invitae), Labcorp
Classification: Uncertain significance for Dystonic disorder. Last evaluated: 2025-11-24. Review status: criteria provided, single submitter. Criteria: Invitae Variant Classification Sherloc (09022015). Collection method: clinical testing. Allele origin: germline.
Comment: This sequence change replaces lysine, which is basic and polar, with glutamic acid, which is acidic and polar, at codon 583 of the ANO3 protein (p.Lys583Glu). This variant is not present in population databases (gnomAD no frequency). This variant has not been reported in the literature in individuals affected with ANO3-related conditions. Invitae Evidence Modeling of protein sequence and biophysical properties (such as structural, functional, and spatial information, amino acid conservation, physicochemical variation, residue mobility, and thermodynamic stability) indicates that this missense variant is not expected to disrupt ANO3 protein function with a negative predictive value of 95%. In summary, the available evidence is currently insufficient to determine the role of this variant in disease. Therefore, it has been classified as a Variant of Uncertain Significance.